The following is an entry in ClinVar:

NM_001128840.3(CACNA1D):c.4765C>A (p.Leu1589Ile)

Gene: CACNA1D (calcium voltage-gated channel subunit alpha1 D; plus strand). Cytogenetic location: 3p21.1.
Variant type: single nucleotide variant.
Coding change: c.4765C>A on transcript NM_001128840.3 (MANE Select); coding-DNA position 4765, C replaced by A.
Protein change: p.Leu1589Ile; replaces leucine 1589 with isoleucine.
Molecular consequence: missense variant.
Genome position (GRCh38, 1-based): chr3:53,781,640, C>A. VCF-style: chr3-53781640-C-A. GRCh37 (hg19) VCF-style: chr3-53815667-C-A.
Other names: c.4825C>A, p.Leu1609Ile (NM_000720.4); c.4720C>A, p.Leu1574Ile (NM_001128839.3); short protein forms L1574I, L1609I, L1589I.
Identifiers: ClinVar variation 2180614 (VCV002180614.4), dbSNP rs151242863, ClinGen allele CA2454976.

ClinVar aggregate classification (germline): Uncertain significance (1 of 4 stars; one submission).

Allele frequency attached by ClinVar (database versions not stated): ExAC 0.00001; gnomAD exomes 0.00001; ESP Exome Variant Server 0.00008.
gnomAD v4.1: 16 of 1,613,546 alleles (0.00099%); highest among the groups gnomAD compares: Non-Finnish European, 0.0014%; no homozygotes.

Submission:

Labcorp Genetics (formerly Invitae), Labcorp
Classification: Uncertain significance. Last evaluated: 2024-10-29. Review status: criteria provided, single submitter. Criteria: Invitae Variant Classification Sherloc (09022015). Collection method: clinical testing. Allele origin: germline.
Comment: This sequence change replaces leucine, which is neutral and non-polar, with isoleucine, which is neutral and non-polar, at codon 1609 of the CACNA1D protein (p.Leu1609Ile). This variant is present in population databases (rs151242863, gnomAD 0.0009%). This variant has not been reported in the literature in individuals affected with CACNA1D-related conditions. ClinVar contains an entry for this variant (Variation ID: 2180614). Invitae Evidence Modeling of protein sequence and biophysical properties (such as structural, functional, and spatial information, amino acid conservation, physicochemical variation, residue mobility, and thermodynamic stability) indicates that this missense variant is not expected to disrupt CACNA1D protein function with a negative predictive value of 80%. In summary, the available evidence is currently insufficient to determine the role of this variant in disease. Therefore, it has been classified as a Variant of Uncertain Significance.